The following is an entry in ClinVar:

NM_017988.6(SCYL2):c.175C>T (p.Gln59Ter)

Gene: SCYL2 (SCY1 like pseudokinase 2; plus strand). Cytogenetic location: 12q23.1.
Variant type: single nucleotide variant.
Coding change: c.175C>T on transcript NM_017988.6 (MANE Select); coding-DNA position 175, C replaced by T.
Protein change: p.Gln59Ter; replaces glutamine 59 with a stop codon.
Molecular consequence: nonsense. On other transcripts: 5 prime UTR variant (1).
Genome position (GRCh38, 1-based): chr12:100,283,145, C>T. VCF-style: chr12-100283145-C-T. GRCh37 (hg19) VCF-style: chr12-100676923-C-T.
Other names: c.175C>T, p.Gln59Ter (NM_001317784.2, NM_001330253.2, NM_001330254.2); c.-481C>T (NM_001330256.2); short protein forms Q59*.
Identifiers: ClinVar variation 4864196 (VCV004864196.1).

ClinVar aggregate classification (germline): Pathogenic (1 of 4 stars; one submission).

Conditions:
Inborn genetic diseases. Identifiers: MedGen C0950123, MeSH D030342.

Submission:

Ambry Genetics
Classification: Pathogenic for Inborn genetic diseases. Last evaluated: 2026-04-16. Review status: criteria provided, single submitter. Criteria: Ambry Variant Classification Scheme 2023. Collection method: clinical testing. Allele origin: germline.
Comment: The c.175C>T (p.Q59*) alteration, located in exon 2 (coding exon 1) of the SCYL2 gene, consists of a C to T substitution at nucleotide position 175. This changes the amino acid from a glutamine (Q) to a stop codon at amino acid position 59. This variant is expected to result in loss of function by premature protein truncation or nonsense-mediated mRNA decay. Based on data from gnomAD, the T allele has an overall frequency of <0.001% (1/238206) total alleles studied. The highest observed frequency was 0.001% (1/109674) of European (non-Finnish) alleles. Based on the available evidence, this alteration is classified as pathogenic.